The following is an entry in ClinVar:

ClinVar aggregate classification (germline): Likely benign (1 of 4 stars; one submission).

Submission:

GeneDx
Classification: Likely benign. Last evaluated: 2017-05-11. Review status: criteria provided, single submitter. Criteria: GeneDx Variant Classification (06012015). Collection method: clinical testing. Allele origin: germline. Affected: yes.
Comment: This variant is considered likely benign or benign based on one or more of the following criteria: it is a conservative change, it occurs at a poorly conserved position in the protein, it is predicted to be benign by multiple in silico algorithms, and/or has population frequency not consistent with disease.

NM_002397.5(MEF2C):c.1392C>T (p.Arg464=)

Genes: MEF2C-AS2 (MEF2C antisense RNA 2; plus strand), MEF2C (myocyte enhancer factor 2C; minus strand). Cytogenetic location: 5q14.3.
Variant type: single nucleotide variant.
Coding change: c.1392C>T on transcript NM_002397.5 (MANE Select); coding-DNA position 1392, C replaced by T.
Protein change: p.Arg464=; no amino-acid change (arginine 464 retained).
Molecular consequence: synonymous variant. On other transcripts: non-coding transcript variant (1), 3 prime UTR variant (9).
Genome position (GRCh38, 1-based): chr5:88,722,634, G>A on the plus strand (C>T on the coding strand, the complement: MEF2C is on the minus strand). VCF-style: chr5-88722634-G-A. GRCh37 (hg19) VCF-style: chr5-88018451-G-A.
Other names: c.1362C>T, p.Arg454= (NM_001131005.2); c.1422C>T, p.Arg474= (NM_001193347.1); c.1224C>T, p.Arg408= (NM_001193348.1); c.1152C>T, p.Arg384= (NM_001193349.3, NM_001364332.2); c.1392C>T, p.Arg464= (NM_001193350.2, NM_001364329.2, NM_001364330.2 and 1 more transcripts); c.1368C>T, p.Arg456= (NM_001308002.3, NM_001364333.2); c.1296C>T, p.Arg432= (NM_001363581.2, NM_001364334.2, NM_001364335.2 and 2 more transcripts); c.1326C>T, p.Arg442= (NM_001364338.2); and 7 more.
Identifiers: ClinVar variation 509393 (VCV000509393.1), dbSNP rs1554098511, ClinGen allele CA445402501.